The following is an entry in ClinVar:

ClinVar aggregate classification (germline): Uncertain significance (1 of 4 stars; one submission).

Conditions:
Cardiovascular phenotype. Identifiers: MedGen CN230736.

Submission:

Ambry Genetics
Classification: Uncertain significance for Cardiovascular phenotype. Last evaluated: 2024-10-27. Review status: criteria provided, single submitter. Criteria: Ambry Variant Classification Scheme 2023. Collection method: clinical testing. Allele origin: germline.
Comment: The p.L26P variant (also known as c.77T>C), located in coding exon 1 of the LIPA gene, results from a T to C substitution at nucleotide position 77. The leucine at codon 26 is replaced by proline, an amino acid with similar properties. This amino acid position is conserved. In addition, this alteration is predicted to be tolerated by in silico analysis. Based on the available evidence, the clinical significance of this variant remains unclear.

NM_000235.4(LIPA):c.77T>C (p.Leu26Pro)

Gene: LIPA (lipase A, lysosomal acid type; minus strand). Cytogenetic location: 10q23.31.
Variant type: single nucleotide variant.
Coding change: c.77T>C on transcript NM_000235.4 (MANE Select); coding-DNA position 77, T replaced by C.
Protein change: p.Leu26Pro; replaces leucine 26 with proline.
Molecular consequence: missense variant. On other transcripts: intron variant (1).
Genome position (GRCh38, 1-based): chr10:89,247,572, A>G on the plus strand (T>C on the coding strand, the complement: LIPA is on the minus strand). VCF-style: chr10-89247572-A-G. GRCh37 (hg19) VCF-style: chr10-91007329-A-G.
Other names: c.77T>C, p.Leu26Pro (NM_001127605.3); c.-120+4165T>C (NM_001288979.2); short protein forms L26P.
Identifiers: ClinVar variation 3538438 (VCV003538438.1).